The following is an entry in ClinVar:

ClinVar aggregate classification (germline): Uncertain significance (1 of 4 stars; one submission).

Conditions:
Inborn genetic diseases. Identifiers: MedGen C0950123, MeSH D030342.

Submission:

Ambry Genetics
Classification: Uncertain significance for Inborn genetic diseases. Last evaluated: 2025-10-30. Review status: criteria provided, single submitter. Criteria: Ambry Variant Classification Scheme 2023. Collection method: clinical testing. Allele origin: germline.
Comment: The c.195_196dupTA (p.N66Ifs*23) alteration, located in exon 2 (coding exon 1) of the KANSL1 gene, consists of a duplication of TA at position 195, causing a translational frameshift with a predicted alternate stop codon after 23 amino acids. This alteration is expected to result in loss of function by premature protein truncation or nonsense-mediated mRNA decay. This KANSL1 variant is located in a genomically complex region; therefore, while this variant is expected to be deleterious, it is recommended to confirm that it has occurred de novo prior to classifying it as such (Koolen, 2016). This variant was not reported in population-based cohorts in the Genome Aggregation Database (gnomAD). Based on insufficient or conflicting evidence, the clinical significance of this alteration remains unclear.

NM_015443.4(KANSL1):c.195_196dup (p.Asn66fs)

Gene: KANSL1 (KAT8 regulatory NSL complex subunit 1). Cytogenetic location: 17q21.31.
Variant type: Duplication.
Coding change: c.195_196dup on transcript NM_015443.4 (MANE Select); coding-DNA positions 195 to 196, 2 bases duplicated.
Protein change: p.Asn66fs; shifts the reading frame from asparagine 66.
Molecular consequence: frameshift variant. On other transcripts: intron variant (4).
Genome position: GRCh38 VCF-style: chr17-46171947-T-TTA. GRCh37 (hg19) VCF-style: chr17-44249313-T-TTA.
Other names: c.195_196dup, p.Asn66fs (NM_001193465.2, NM_001193466.2, NM_001379198.1 and 18 more transcripts); c.23+51722_23+51723dup (NM_001405885.1, NM_001405884.1, NM_001405883.1 and 1 more transcripts); short protein forms N66fs.
Identifiers: ClinVar variation 4622436 (VCV004622436.1).